The following is an entry in ClinVar:

ClinVar aggregate classification (germline): Uncertain significance (1 of 4 stars; one submission).

Allele frequency attached by ClinVar (database versions not stated): gnomAD exomes below 0.00001 and 0.00003; gnomAD 0.00001; TOPMed 0.00001.

Submission:

Labcorp Genetics (formerly Invitae), Labcorp
Classification: Uncertain significance. Last evaluated: 2022-11-08. Review status: criteria provided, single submitter. Criteria: Invitae Variant Classification Sherloc (09022015). Collection method: clinical testing. Allele origin: germline.
Comment: In summary, the available evidence is currently insufficient to determine the role of this variant in disease. Therefore, it has been classified as a Variant of Uncertain Significance. This variant has not been reported in the literature in individuals affected with GJB3-related conditions. This variant is present in population databases (no rsID available, gnomAD 0.0009%). This sequence change replaces proline, which is neutral and non-polar, with threonine, which is neutral and polar, at codon 181 of the GJB3 protein (p.Pro181Thr). ClinVar contains an entry for this variant (Variation ID: 1425426). Algorithms developed to predict the effect of missense changes on protein structure and function (SIFT, PolyPhen-2, Align-GVGD) all suggest that this variant is likely to be disruptive.

NM_024009.3(GJB3):c.541C>A (p.Pro181Thr)

Gene: GJB3 (gap junction protein beta 3; plus strand). Cytogenetic location: 1p34.3.
Variant type: single nucleotide variant.
Coding change: c.541C>A on transcript NM_024009.3 (MANE Select); coding-DNA position 541, C replaced by A.
Protein change: p.Pro181Thr; replaces proline 181 with threonine.
Molecular consequence: missense variant.
Genome position (GRCh38, 1-based): chr1:34,785,303, C>A. VCF-style: chr1-34785303-C-A. GRCh37 (hg19) VCF-style: chr1-35250904-C-A.
Other names: c.541C>A, p.Pro181Thr (NM_001005752.2); short protein forms P181T.
Identifiers: ClinVar variation 1425426 (VCV001425426.6), dbSNP rs1318573278, ClinGen allele CA339315695.